The following is an entry in ClinVar:

ClinVar aggregate classification (germline): Uncertain significance (1 of 4 stars; one submission).

Conditions:
Carnitine palmitoyltransferase II deficiency. Also called: Carnitine Palmitoyltransferase 2 Deficiency. Identifiers: Orphanet 157, MedGen C0342790, MONDO:0015515.

Submission:

Labcorp Genetics (formerly Invitae), Labcorp
Classification: Uncertain significance for Carnitine palmitoyltransferase II deficiency. Last evaluated: 2019-05-21. Review status: criteria provided, single submitter. Criteria: Invitae Variant Classification Sherloc (09022015). Collection method: clinical testing. Allele origin: germline.
Comment: This variant results in a copy number gain of the genomic region encompassing the full coding sequence of the CPT2 gene. The boundaries of this event are unknown as they extend beyond the assayed region for this gene and therefore may encompass additional genes. As the precise location of this event is unknown, it may be in tandem or it may be located elsewhere in the genome. This variant has not been reported in the literature in individuals with CPT2-related conditions. In summary, the available evidence is currently insufficient to determine the role of this variant in disease. Therefore, it has been classified as a Variant of Uncertain Significance.

NC_000001.11:g.(?_53196934)_(53213605_?)dup

Gene: CPT2 (carnitine palmitoyltransferase 2; plus strand). Cytogenetic location: 1p32.3.
Variant type: Duplication.
Identifiers: ClinVar variation 831942 (VCV000831942.1).